The following is an entry in ClinVar:

NM_001083926.2(ASRGL1):c.694A>G (p.Arg232Gly)

Gene: ASRGL1 (asparaginase and isoaspartyl peptidase 1; plus strand). Cytogenetic location: 11q12.3.
Variant type: single nucleotide variant.
Coding change: c.694A>G on transcript NM_001083926.2 (MANE Select); coding-DNA position 694, A replaced by G.
Protein change: p.Arg232Gly; replaces arginine 232 with glycine.
Molecular consequence: missense variant.
Genome position (GRCh38, 1-based): chr11:62,391,605, A>G. VCF-style: chr11-62391605-A-G. GRCh37 (hg19) VCF-style: chr11-62159077-A-G.
Other names: c.694A>G, p.Arg232Gly (NM_025080.4); short protein forms R232G.
Identifiers: ClinVar variation 1047023 (VCV001047023.8), dbSNP rs774978351, ClinGen allele CA223039602.

ClinVar aggregate classification (germline): Uncertain significance (1 of 4 stars; one submission).

Allele frequency attached by ClinVar (database versions not stated): gnomAD exomes below 0.00001; gnomAD 0.00001.
gnomAD v4.1: 4 of 1,611,396 alleles (0.00025%); highest among the groups gnomAD compares: African/African-American, 0.0027%; no homozygotes.

Submission:

Labcorp Genetics (formerly Invitae), Labcorp
Classification: Uncertain significance. Last evaluated: 2022-06-13. Review status: criteria provided, single submitter. Criteria: Invitae Variant Classification Sherloc (09022015). Collection method: clinical testing. Allele origin: germline.
Comment: Algorithms developed to predict the effect of missense changes on protein structure and function (SIFT, PolyPhen-2, Align-GVGD) all suggest that this variant is likely to be disruptive. In summary, the available evidence is currently insufficient to determine the role of this variant in disease. Therefore, it has been classified as a Variant of Uncertain Significance. Algorithms developed to predict the effect of sequence changes on RNA splicing suggest that this variant may create or strengthen a splice site. ClinVar contains an entry for this variant (Variation ID: 1047023). This variant has not been reported in the literature in individuals affected with ASRGL1-related conditions. This variant is present in population databases (rs774978351, gnomAD 0.003%). This sequence change replaces arginine, which is basic and polar, with glycine, which is neutral and non-polar, at codon 232 of the ASRGL1 protein (p.Arg232Gly).